The following is an entry in ClinVar:

NM_019888.3(MC3R):c.186C>T (p.Ala62=)

Gene: MC3R (melanocortin 3 receptor; plus strand). Cytogenetic location: 20q13.2.
Variant type: single nucleotide variant.
Coding change: c.186C>T on transcript NM_019888.3 (MANE Select); coding-DNA position 186, C replaced by T.
Protein change: p.Ala62=; no amino-acid change (alanine 62 retained).
Molecular consequence: synonymous variant.
Genome position (GRCh38, 1-based): chr20:56,249,029, C>T. VCF-style: chr20-56249029-C-T. GRCh37 (hg19) VCF-style: chr20-54824085-C-T.
Identifiers: ClinVar variation 4984696 (VCV004984696.1).

ClinVar aggregate classification (germline): Likely benign (1 of 4 stars; one submission).

Conditions:
MC3R-related disorder. Also called: MC3R-related condition.

Submission:

PreventionGenetics, part of Exact Sciences
Classification: Likely benign for MC3R-related condition. Last evaluated: 2026-02-03. Review status: criteria provided, single submitter. Criteria: ACMG Guidelines, 2015. Collection method: clinical testing. Allele origin: germline.
Comment: This variant is classified as likely benign based on ACMG/AMP sequence variant interpretation guidelines (Richards et al. 2015 PMID: 25741868, with internal and published modifications).